The following is an entry in ClinVar:

ClinVar aggregate classification (germline): Likely benign (0 of 4 stars; one submission).

Conditions:
AP5Z1-related disorder. Also called: AP5Z1-related condition.

Allele frequency attached by ClinVar (database versions not stated): gnomAD exomes below 0.00001.
gnomAD v4.1: 1 of 1,589,976 alleles (0.000063%); highest among the groups gnomAD compares: South Asian, 0.0011%; no homozygotes.

Submission:

PreventionGenetics, part of Exact Sciences
Classification: Likely benign for AP5Z1-related condition. Last evaluated: 2019-04-08. Review status: no assertion criteria provided. Collection method: clinical testing. Allele origin: germline.
Comment: This variant is classified as likely benign based on ACMG/AMP sequence variant interpretation guidelines (Richards et al. 2015 PMID: 25741868, with internal and published modifications).

NM_014855.3(AP5Z1):c.1590T>G (p.Thr530=)

Gene: AP5Z1 (adaptor related protein complex 5 subunit zeta 1; plus strand). Cytogenetic location: 7p22.1.
Variant type: single nucleotide variant.
Coding change: c.1590T>G on transcript NM_014855.3 (MANE Select); coding-DNA position 1590, T replaced by G.
Protein change: p.Thr530=; no amino-acid change (threonine 530 retained).
Molecular consequence: synonymous variant. On other transcripts: non-coding transcript variant (1).
Genome position (GRCh38, 1-based): chr7:4,788,289, T>G. VCF-style: chr7-4788289-T-G. GRCh37 (hg19) VCF-style: chr7-4827920-T-G.
Other names: c.1122T>G, p.Thr374= (NM_001364858.1).
Identifiers: ClinVar variation 3057976 (VCV003057976.2), dbSNP rs1272651979, ClinGen allele CA453473582.